The following is an entry in ClinVar:

ClinVar aggregate classification (germline): Uncertain significance. Review status: criteria provided, multiple submitters, no conflicts (2 of 4 stars). 2 submissions from 2 submitters: Uncertain significance (2). Last evaluated 2025-06-07.

Conditions:
Cardiovascular phenotype. Identifiers: MedGen CN230736.

Allele frequency attached by ClinVar (database versions not stated): gnomAD exomes 0.00002; TOPMed 0.00004; gnomAD 0.00005; 1000 Genomes Project 30x 0.00031.
gnomAD v4.1: 17 of 1,502,522 alleles (0.0011%); highest among the groups gnomAD compares: Admixed American, 0.034%; 1 homozygote.

Submissions (2):

Labcorp Genetics (formerly Invitae), Labcorp
Classification: Uncertain significance. Last evaluated: 2025-06-07. Review status: criteria provided, single submitter. Criteria: Invitae Variant Classification Sherloc (09022015). Collection method: clinical testing. Allele origin: germline.
Comment: This sequence change replaces valine, which is neutral and non-polar, with glycine, which is neutral and non-polar, at codon 213 of the APOE protein (p.Val213Gly). This variant is present in population databases (no rsID available, gnomAD 0.04%). This variant has not been reported in the literature in individuals affected with APOE-related conditions. ClinVar contains an entry for this variant (Variation ID: 1753235). Invitae Evidence Modeling of protein sequence and biophysical properties (such as structural, functional, and spatial information, amino acid conservation, physicochemical variation, residue mobility, and thermodynamic stability) indicates that this missense variant is not expected to disrupt APOE protein function with a negative predictive value of 80%. In summary, the available evidence is currently insufficient to determine the role of this variant in disease. Therefore, it has been classified as a Variant of Uncertain Significance.

Ambry Genetics
Classification: Uncertain significance for Cardiovascular phenotype. Last evaluated: 2024-03-31. Review status: criteria provided, single submitter. Criteria: Ambry Variant Classification Scheme 2023. Collection method: clinical testing. Allele origin: germline.

NM_000041.4(APOE):c.638T>G (p.Val213Gly)

Gene: APOE (apolipoprotein E; plus strand). Cytogenetic location: 19q13.32.
Variant type: single nucleotide variant.
Coding change: c.638T>G on transcript NM_000041.4 (MANE Select); coding-DNA position 638, T replaced by G.
Protein change: p.Val213Gly; replaces valine 213 with glycine.
Molecular consequence: missense variant.
Genome position (GRCh38, 1-based): chr19:44,908,934, T>G. VCF-style: chr19-44908934-T-G. GRCh37 (hg19) VCF-style: chr19-45412191-T-G.
Other names: c.716T>G, p.Val239Gly (NM_001302688.2); c.638T>G, p.Val213Gly (NM_001302689.2, NM_001302690.2, NM_001302691.2); short protein forms V239G, V213G.
Identifiers: ClinVar variation 1753235 (VCV001753235.4), dbSNP rs1227709957, ClinGen allele CA406304462.